The following is an entry in ClinVar:

ClinVar aggregate classification (germline): Uncertain significance (1 of 4 stars; one submission).

Conditions:
Hereditary cancer-predisposing syndrome. Also called: Neoplastic Syndromes, Hereditary; Tumor predisposition; Hereditary Cancer Syndrome; Hereditary neoplastic syndrome. Identifiers: Orphanet 140162, MedGen C0027672, MeSH D009386, MONDO:0015356.

Submission:

Ambry Genetics
Classification: Uncertain significance for Hereditary cancer-predisposing syndrome. Last evaluated: 2024-09-26. Review status: criteria provided, single submitter. Criteria: Ambry Variant Classification Scheme 2023. Collection method: clinical testing. Allele origin: germline.
Comment: The p.P283A variant (also known as c.847C>G) is located in coding exon 7 of the CHEK2 gene. The proline at codon 283 is replaced by alanine, an amino acid with highly similar properties. This change occurs in the first base pair of coding exon 7. This amino acid position is highly conserved in available vertebrate species. In addition, the in silico prediction for this alteration is inconclusive. Based on the available evidence, the clinical significance of this variant remains unclear.

NM_007194.4(CHEK2):c.847C>G (p.Pro283Ala)

Gene: CHEK2 (checkpoint kinase 2; minus strand). Cytogenetic location: 22q12.1.
Variant type: single nucleotide variant.
Coding change: c.847C>G on transcript NM_007194.4 (MANE Select); coding-DNA position 847, C replaced by G.
Protein change: p.Pro283Ala; replaces proline 283 with alanine.
Molecular consequence: missense variant.
Genome position (GRCh38, 1-based): chr22:28,703,566, G>C on the plus strand (C>G on the coding strand, the complement: CHEK2 is on the minus strand). VCF-style: chr22-28703566-G-C. GRCh37 (hg19) VCF-style: chr22-29099554-G-C.
Other names: c.976C>G, p.Pro326Ala (NM_001005735.3); c.184C>G, p.Pro62Ala (NM_001257387.3); c.646C>G, p.Pro216Ala (NM_001349956.3); c.847C>G, p.Pro283Ala (NM_145862.3); short protein forms P283A, P216A, P326A, P62A.
Identifiers: ClinVar variation 483361 (VCV000483361.6), dbSNP rs1555917036, ClinGen allele CA411101383.